The following is an entry in ClinVar:

NM_006031.6(PCNT):c.4838C>T (p.Ala1613Val)

Gene: PCNT (pericentrin; plus strand). Cytogenetic location: 21q22.3.
Variant type: single nucleotide variant.
Coding change: c.4838C>T on transcript NM_006031.6 (MANE Select); coding-DNA position 4838, C replaced by T.
Protein change: p.Ala1613Val; replaces alanine 1613 with valine.
Molecular consequence: missense variant.
Genome position (GRCh38, 1-based): chr21:46,401,597, C>T. VCF-style: chr21-46401597-C-T. GRCh37 (hg19) VCF-style: chr21-47821511-C-T.
Other names: c.4484C>T, p.Ala1495Val (NM_001315529.2); short protein forms A1613V, A1495V.
Identifiers: ClinVar variation 340496 (VCV000340496.18), dbSNP rs546562229, ClinGen allele CA10079798.

ClinVar aggregate classification (germline): Conflicting classifications of pathogenicity. Review status: criteria provided, conflicting classifications (1 of 4 stars). 4 submissions from 4 submitters: Uncertain significance (2); Likely benign (1). 1 of the submissions does not count toward it. Last evaluated 2025-06-29.

Conditions:
Microcephalic osteodysplastic primordial dwarfism type II (MOPD2). Also called: Microcephalic osteodysplastic primordial dwarfism with tooth abnormalities; MOPD II; OSTEODYSPLASTIC PRIMORDIAL DWARFISM, TYPE II. Identifiers: Orphanet 2637, MedGen C0432246, MONDO:0008872, OMIM 210720.
PCNT-related disorder. Also called: PCNT-related condition.

Allele frequency attached by ClinVar (database versions not stated): gnomAD exomes 0.00006 and 0.00028; gnomAD 0.00009 and 0.00011; TOPMed 0.00010; ExAC 0.00022; 1000 Genomes Project 30x 0.00062; 1000 Genomes Project 0.00080.
gnomAD v4.1: 104 of 1,613,734 alleles (0.0064%); highest among the groups gnomAD compares: East Asian, 0.2%; no homozygotes.

Submissions (4):

Labcorp Genetics (formerly Invitae), Labcorp
Classification: Likely benign. Last evaluated: 2025-06-29. Review status: criteria provided, single submitter. Criteria: Invitae Variant Classification Sherloc (09022015). Collection method: clinical testing. Allele origin: germline.

Illumina Laboratory Services, Illumina
Classification: Uncertain significance for Microcephalic osteodysplastic primordial dwarfism type II. Last evaluated: 2018-01-12. Review status: criteria provided, single submitter. Criteria: ICSL Variant Classification Criteria 13 December 2019. Collection method: clinical testing. Allele origin: germline.

Genetic Services Laboratory, University of Chicago
Classification: Uncertain significance. Last evaluated: 2015-08-14. Review status: criteria provided, single submitter. Criteria: ACMG Guidelines, 2015. Collection method: clinical testing. Allele origin: germline. Affected: no.

PreventionGenetics, part of Exact Sciences
Classification: Likely benign for PCNT-related condition. Last evaluated: 2022-02-10. Review status: no assertion criteria provided. Collection method: clinical testing. Allele origin: germline. Not counted in ClinVar's aggregate classification.
Comment: This variant is classified as likely benign based on ACMG/AMP sequence variant interpretation guidelines (Richards et al. 2015 PMID: 25741868, with internal and published modifications).